The following is an entry in ClinVar:

NM_004525.3(LRP2):c.1568A>C (p.Tyr523Ser)

Gene: LRP2 (LDL receptor related protein 2; minus strand). Cytogenetic location: 2q31.1.
Variant type: single nucleotide variant.
Coding change: c.1568A>C on transcript NM_004525.3 (MANE Select); coding-DNA position 1568, A replaced by C.
Protein change: p.Tyr523Ser; replaces tyrosine 523 with serine.
Molecular consequence: missense variant.
Genome position (GRCh38, 1-based): chr2:169,277,949, T>G on the plus strand (A>C on the coding strand, the complement: LRP2 is on the minus strand). VCF-style: chr2-169277949-T-G. GRCh37 (hg19) VCF-style: chr2-170134459-T-G.
Other names: short protein forms Y523S.
Identifiers: ClinVar variation 5019401 (VCV005019401.2).

ClinVar aggregate classification (germline): Uncertain significance (1 of 4 stars; one submission).

Conditions:
Donnai-Barrow syndrome. Also called: DBS/FOAR SYNDROME; FACIOOCULOACOUSTICORENAL SYNDROME. Identifiers: Orphanet 2143, MedGen C1857277, MONDO:0009104, OMIM 222448.

gnomAD v4.1: 1 of 1,612,332 alleles (0.000062%); highest among the groups gnomAD compares: Non-Finnish European, 0.000085%; no homozygotes.

Submission:

Juno Genomics, Hangzhou Juno Genomics, Inc
Classification: Uncertain significance for Donnai-Barrow syndrome. Review status: criteria provided, single submitter. Criteria: ACMG Guidelines, 2015. Collection method: clinical testing. Allele origin: germline.
Comment: Absent from controls (or at extremely low frequency if recessive) in Genome Aggregation Database.;Multiple lines of computational evidence support a deleterious effect on the gene or gene product.;Missense variant in a gene that has a low rate of benign missense variation.